The following is an entry in ClinVar:

NM_001348716.2(KDM6B):c.1832C>T (p.Pro611Leu)

Gene: KDM6B (lysine demethylase 6B; plus strand). Cytogenetic location: 17p13.1.
Variant type: single nucleotide variant.
Coding change: c.1832C>T on transcript NM_001348716.2 (MANE Select); coding-DNA position 1832, C replaced by T.
Protein change: p.Pro611Leu; replaces proline 611 with leucine.
Molecular consequence: missense variant.
Genome position (GRCh38, 1-based): chr17:7,848,120, C>T. VCF-style: chr17-7848120-C-T. GRCh37 (hg19) VCF-style: chr17-7751438-C-T.
Other names: c.1832C>T, p.Pro611Leu (NM_001080424.2); short protein forms P611L.
Identifiers: ClinVar variation 2219151 (VCV002219151.4), dbSNP rs775136413, ClinGen allele CA8360748.

ClinVar aggregate classification (germline): Uncertain significance. Review status: criteria provided, multiple submitters, no conflicts (2 of 4 stars). 2 submissions from 2 submitters: Uncertain significance (2). Last evaluated 2025-04-12.

Conditions:
Inborn genetic diseases. Identifiers: MedGen C0950123, MeSH D030342.
Neurodevelopmental disorder with coarse facies and mild distal skeletal abnormalities. Also called: STOLERMAN NEURODEVELOPMENTAL SYNDROME. Identifiers: MedGen C5193134, MONDO:0032790, OMIM 618505.

Allele frequency attached by ClinVar (database versions not stated): ExAC 0.00001.
gnomAD v4.1: 7 of 1,613,056 alleles (0.00043%); highest among the groups gnomAD compares: South Asian, 0.0066%; no homozygotes.

Submissions (2):

Ambry Genetics
Classification: Uncertain significance for Inborn genetic diseases. Last evaluated: 2025-04-12. Review status: criteria provided, single submitter. Criteria: Ambry Variant Classification Scheme 2023. Collection method: clinical testing. Allele origin: germline.

Neuberg Centre For Genomic Medicine, NCGM
Classification: Uncertain significance for Neurodevelopmental disorder with coarse facies and mild distal skeletal abnormalities. Review status: criteria provided, single submitter. Criteria: ACMG Guidelines, 2015. Collection method: clinical testing. Allele origin: germline. Inheritance: Autosomal dominant inheritance. Affected: yes.
Comment: The missense variant c.1832C>T(p.Pro611Leu) in the KDM6B gene has not been reported previously as a pathogenic variant nor as a benign variant, to our knowledge. This variant is reported with the allele frequency (0.0004%) in the gnomAD Exomes. This variant has been reported to the ClinVar database as Uncertain Significance. However, no details are available for independent assessment. The amino acid Proline at position 611 is changed to a Leucine changing protein sequence and it might alter its composition and physico-chemical properties. Computational evidence (Polyphen, SIFT and MutationTaster) predicts conflicting evidence on protein structure and function for this variant. For these reasons, this variant has been classified as Uncertain Significance.